The following is an entry in ClinVar:

NM_006939.4(SOS2):c.3561del (p.Arg1188fs)

Gene: SOS2 (SOS Ras/Rho guanine nucleotide exchange factor 2; minus strand). Cytogenetic location: 14q21.3.
Variant type: Deletion.
Coding change: c.3561del on transcript NM_006939.4 (MANE Select); coding-DNA position 3561, one base deleted (C; older notation c.3561delC).
Protein change: p.Arg1188fs; shifts the reading frame from arginine 1188.
Molecular consequence: frameshift variant.
Genome position (GRCh38, 1-based): chr14:50,118,782, G deleted on the plus strand (C on the coding strand, the reverse complement: SOS2 is on the minus strand); the first of 3 consecutive G bases (chr14:50,118,782-50,118,784); deleting any one gives the same sequence. VCF-style (leftmost placement, unchanged base first): chr14-50118781-TG-T. GRCh37 (hg19) VCF-style: chr14-50585499-TG-T.
Other names: c.3462del, p.Arg1155fs (NM_001411020.1); short protein forms R1188fs, R1155fs.
Identifiers: ClinVar variation 3725731 (VCV003725731.2).

ClinVar aggregate classification (germline): Uncertain significance (1 of 4 stars; one submission).

Conditions:
Noonan syndrome 9 (NS9). Identifiers: Orphanet 648, MedGen C4225282, MONDO:0014691, OMIM 616559.

Submission:

Labcorp Genetics (formerly Invitae), Labcorp
Classification: Uncertain significance for Noonan syndrome 9. Last evaluated: 2024-11-21. Review status: criteria provided, single submitter. Criteria: Invitae Variant Classification Sherloc (09022015). Collection method: clinical testing. Allele origin: germline.
Comment: This sequence change creates a premature translational stop signal (p.Arg1188Glufs*41) in the SOS2 gene. While this is not anticipated to result in nonsense mediated decay, it is expected to disrupt the last 145 amino acid(s) of the SOS2 protein. This variant is not present in population databases (gnomAD no frequency). This variant has not been reported in the literature in individuals affected with SOS2-related conditions. In summary, the available evidence is currently insufficient to determine the role of this variant in disease. Therefore, it has been classified as a Variant of Uncertain Significance.